The following is an entry in ClinVar:

NM_001142800.2(EYS):c.359C>T (p.Thr120Met)

Gene: EYS (EGF-like photoreceptor maintenance factor; minus strand). Cytogenetic location: 6q12.
Variant type: single nucleotide variant.
Coding change: c.359C>T on transcript NM_001142800.2 (MANE Select); coding-DNA position 359, C replaced by T.
Protein change: p.Thr120Met; replaces threonine 120 with methionine.
Molecular consequence: missense variant.
Genome position (GRCh38, 1-based): chr6:65,495,052, G>A on the plus strand (C>T on the coding strand, the complement: EYS is on the minus strand). VCF-style: chr6-65495052-G-A. GRCh37 (hg19) VCF-style: chr6-66204945-G-A.
Other names: p.T120M:ACG>ATG; c.359C>T, p.Thr120Met (NM_001142801.2, NM_001292009.2, NM_198283.2); c.359C>T (FM209056.1); short protein forms T120M.
Identifiers: ClinVar variation 137261 (VCV000137261.36), dbSNP rs12193967, ClinGen allele CA180025.

ClinVar aggregate classification (germline): Benign/Likely benign. Review status: criteria provided, multiple submitters, no conflicts (2 of 4 stars). 12 submissions from 12 submitters: Benign (8); Likely benign (1). 3 of the submissions do not count toward it. Last evaluated 2026-02-04.

Conditions:
Retinal dystrophy. Also called: Inherited retinal dystrophy. Identifiers: Orphanet 71862, MedGen C0854723, MeSH D058499, MONDO:0019118, HP:0000556.
Retinitis pigmentosa (RP). Identifiers: Orphanet 791, MedGen C0035334, MeSH D012174, MONDO:0019200, OMIM 268000. Inheritance: Autosomal dominant, autosomal recessive and X linked inheritance.
Retinitis pigmentosa 25 (RP25). Identifiers: Orphanet 791, MedGen C1864446, MONDO:0011272, OMIM 602772.

Allele frequency attached by ClinVar (database versions not stated): 1000 Genomes Project 0.17033; ESP Exome Variant Server 0.16062; 1000 Genomes Project 30x 0.16630; TOPMed 0.17276.
gnomAD v4.1: 339,188 of 1,613,900 alleles (21%); highest among the groups gnomAD compares: Admixed American, 26%; 37,656 homozygotes.

Submissions (12):

Labcorp Genetics (formerly Invitae), Labcorp
Classification: Benign. Last evaluated: 2026-02-04. Review status: criteria provided, single submitter. Criteria: Invitae Variant Classification Sherloc (09022015). Collection method: clinical testing. Allele origin: germline.

Women's Health and Genetics/Laboratory Corporation of America, LabCorp
Classification: Likely benign. Last evaluated: 2025-09-14. Review status: criteria provided, single submitter. Criteria: LabCorp Variant Classification Summary - May 2015. Collection method: clinical testing. Allele origin: germline.

Blueprint Genetics
Classification: Benign. Last evaluated: 2024-11-27. Review status: criteria provided, single submitter. Criteria: ACMG Guidelines, 2015. Collection method: clinical testing. Allele origin: germline.

ARUP Laboratories, Molecular Genetics and Genomics, ARUP Laboratories
Classification: Benign for Retinitis pigmentosa 25. Last evaluated: 2023-11-29. Review status: criteria provided, single submitter. Criteria: ARUP Molecular Germline Variant Investigation Process 2024. Collection method: clinical testing. Allele origin: germline.

Dept Of Ophthalmology, Nagoya University
Classification: Benign for Retinal dystrophy. Last evaluated: 2023-10-01. Review status: criteria provided, single submitter. Criteria: Submitter's publication. Collection method: research. Allele origin: germline. Affected: yes.

Genome-Nilou Lab
Classification: Benign for Retinitis pigmentosa 25. Last evaluated: 2021-07-01. Review status: criteria provided, single submitter. Criteria: ACMG Guidelines, 2015. Collection method: clinical testing. Allele origin: germline. Affected: no.

Illumina Laboratory Services, Illumina
Classification: Benign for Retinitis pigmentosa. Last evaluated: 2018-01-12. Review status: criteria provided, single submitter. Criteria: ICSL Variant Classification Criteria 13 December 2019. Collection method: clinical testing. Allele origin: germline.
Comment: This variant was observed in the ICSL laboratory as part of a predisposition screen in an ostensibly healthy population. It had not been previously curated by ICSL or reported in the Human Gene Mutation Database (HGMD: prior to June 1st, 2018), and was therefore a candidate for classification through an automated scoring system. Utilizing variant allele frequency, disease prevalence and penetrance estimates, and inheritance mode, an automated score was calculated to assess if this variant is too frequent to cause the disease. Based on the score and internal cut-off values, a variant classified as benign is not then subjected to further curation. The score for this variant resulted in a classification of benign for this disease.

Eurofins Ntd Llc (ga)
Classification: Benign. Last evaluated: 2014-06-12. Review status: criteria provided, single submitter. Criteria: EGL Classification Definitions 2015. Collection method: clinical testing. Allele origin: germline. Observed: 7 variant alleles, 6 heterozygotes, 1 homozygote.

GeneDx
Classification: Benign. Last evaluated: 2011-07-14. Review status: criteria provided, single submitter. Criteria: GeneDx Variant Classification (06012015). Collection method: clinical testing. Allele origin: germline. Affected: yes.
Comment: This variant is considered likely benign or benign based on one or more of the following criteria: it is a conservative change, it occurs at a poorly conserved position in the protein, it is predicted to be benign by multiple in silico algorithms, and/or has population frequency not consistent with disease.

Natera, Inc.
Classification: Benign for Retinitis pigmentosa. Last evaluated: 2020-09-16. Review status: no assertion criteria provided. Collection method: clinical testing. Allele origin: germline. Not counted in ClinVar's aggregate classification.

Clinical Genetics DNA and cytogenetics Diagnostics Lab, Erasmus MC, Erasmus Medical Center
Classification: Benign. Review status: no assertion criteria provided. Collection method: clinical testing. Allele origin: germline. Affected: yes. Study: VKGL Data-share Consensus. Not counted in ClinVar's aggregate classification.

Joint Genome Diagnostic Labs from Nijmegen and Maastricht, Radboudumc and MUMC+
Classification: Benign. Review status: no assertion criteria provided. Collection method: clinical testing. Allele origin: germline. Affected: yes. Study: VKGL Data-share Consensus. Not counted in ClinVar's aggregate classification.